The following is an entry in ClinVar:

ClinVar aggregate classification (germline): Pathogenic (1 of 4 stars; one submission).

Conditions:
Tetralogy of Fallot (TOF). Identifiers: Orphanet 3303, MedGen C0039685, MONDO:0008542, OMIM 187500, HP:0001636.

Submission:

Laboratoire de Génétique Moléculaire, CHU Bordeaux
Classification: Pathogenic for Tetralogy of Fallot. Last evaluated: 2025-04-02. Review status: criteria provided, single submitter. Criteria: ACMG Guidelines, 2015. Collection method: clinical testing. Allele origin: germline. Inheritance: Autosomal dominant inheritance. Affected: yes.
Comment: PM2, variant absent from population control data set (GnomAD v4), PS3, supported by functional evidence of a deleterious impact of the variant and PP1_strong, variant co-segregating in multiple affected members of the family.

NM_012259.3(HEY2):c.171G>C (p.Glu57Asp)

Gene: HEY2 (hes related family bHLH transcription factor with YRPW motif 2; plus strand). Cytogenetic location: 6q22.31.
Variant type: single nucleotide variant.
Coding change: c.171G>C on transcript NM_012259.3 (MANE Select); coding-DNA position 171, G replaced by C.
Protein change: p.Glu57Asp; replaces glutamic acid 57 with aspartic acid.
Molecular consequence: missense variant.
Genome position (GRCh38, 1-based): chr6:125,752,015, G>C. VCF-style: chr6-125752015-G-C. GRCh37 (hg19) VCF-style: chr6-126073161-G-C.
Other names: short protein forms E57D.
Identifiers: ClinVar variation 3777042 (VCV003777042.1).
Genomic context (GRCh38, chr6:125,752,015, plus strand): 5'-ATTTTATCATTTGTGAATTCATAAACTTTTGTTGTTTGCTTCTTTTGGATAGATTATAGA[G>C]AAAAGGCGTCGGGATCGGATAAATAACAGTTTATCTGAGTTGAGAAGACTTGTGCCAACT-3'
Protein context (NP_036391.1, residues 47-67): MARKKRRGII[Glu57Asp]KRRRDRINNS